The following is an entry in ClinVar:

ClinVar aggregate classification (germline): Likely pathogenic (1 of 4 stars; one submission).

Submission:

Labcorp Genetics (formerly Invitae), Labcorp
Classification: Likely pathogenic. Last evaluated: 2024-06-20. Review status: criteria provided, single submitter. Criteria: Invitae Variant Classification Sherloc (09022015). Collection method: clinical testing. Allele origin: germline.
Comment: This sequence change replaces cysteine, which is neutral and slightly polar, with tyrosine, which is neutral and polar, at codon 34 of the COL2A1 protein (p.Cys34Tyr). This variant is not present in population databases (gnomAD no frequency). This variant has not been reported in the literature in individuals affected with COL2A1-related conditions. Advanced modeling of protein sequence and biophysical properties (such as structural, functional, and spatial information, amino acid conservation, physicochemical variation, residue mobility, and thermodynamic stability) performed at Invitae indicates that this missense variant is expected to disrupt COL2A1 protein function with a positive predictive value of 95%. This variant disrupts the p.Cys34 amino acid residue in COL2A1. Other variant(s) that disrupt this residue have been determined to be pathogenic (PMID: 35064646). This suggests that this residue is clinically significant, and that variants that disrupt this residue are likely to be disease-causing. In summary, the currently available evidence indicates that the variant is pathogenic, but additional data are needed to prove that conclusively. Therefore, this variant has been classified as Likely Pathogenic.

Literature cited by the submitters: PubMed 35064646.

NM_001844.5(COL2A1):c.101G>A (p.Cys34Tyr)

Gene: COL2A1 (collagen type II alpha 1 chain; minus strand). Cytogenetic location: 12q13.11.
Variant type: single nucleotide variant.
Coding change: c.101G>A on transcript NM_001844.5 (MANE Select); coding-DNA position 101, G replaced by A.
Protein change: p.Cys34Tyr; replaces cysteine 34 with tyrosine.
Molecular consequence: missense variant. On other transcripts: intron variant (1).
Genome position (GRCh38, 1-based): chr12:48,000,110, C>T on the plus strand (G>A on the coding strand, the complement: COL2A1 is on the minus strand). VCF-style: chr12-48000110-C-T. GRCh37 (hg19) VCF-style: chr12-48393893-C-T.
Other names: c.86-1679G>A (NM_033150.3); short protein forms C34Y.
Identifiers: ClinVar variation 3635079 (VCV003635079.2).